The following is an entry in ClinVar:

ClinVar aggregate classification (germline): Uncertain significance (1 of 4 stars; one submission).

Conditions:
Pitt-Hopkins-like syndrome 2 (PTHSL2). Identifiers: Orphanet 221150, Orphanet 600663, MedGen C3280479, MONDO:0013690, OMIM 614325.

Allele frequency attached by ClinVar (database versions not stated): gnomAD 0.00001.
gnomAD v4.1: 1 of 1,613,750 alleles (0.000062%); highest among the groups gnomAD compares: Non-Finnish European, 0.000085%; no homozygotes.

Submission:

Labcorp Genetics (formerly Invitae), Labcorp
Classification: Uncertain significance for Pitt-Hopkins-like syndrome 2. Last evaluated: 2022-12-31. Review status: criteria provided, single submitter. Criteria: Invitae Variant Classification Sherloc (09022015). Collection method: clinical testing. Allele origin: germline.
Comment: In summary, the available evidence is currently insufficient to determine the role of this variant in disease. Therefore, it has been classified as a Variant of Uncertain Significance. Algorithms developed to predict the effect of missense changes on protein structure and function (SIFT, PolyPhen-2, Align-GVGD) all suggest that this variant is likely to be tolerated. This variant has not been reported in the literature in individuals affected with NRXN1-related conditions. This variant is not present in population databases (gnomAD no frequency). This sequence change replaces alanine, which is neutral and non-polar, with serine, which is neutral and polar, at codon 918 of the NRXN1 protein (p.Ala918Ser).

NM_001330078.2(NRXN1):c.2632G>T (p.Ala878Ser)

Gene: NRXN1 (neurexin 1; minus strand). Cytogenetic location: 2p16.3.
Variant type: single nucleotide variant.
Coding change: c.2632G>T on transcript NM_001330078.2 (MANE Select); coding-DNA position 2632, G replaced by T.
Protein change: p.Ala878Ser; replaces alanine 878 with serine.
Molecular consequence: missense variant.
Genome position (GRCh38, 1-based): chr2:50,497,580, C>A on the plus strand (G>T on the coding strand, the complement: NRXN1 is on the minus strand). VCF-style: chr2-50497580-C-A. GRCh37 (hg19) VCF-style: chr2-50724718-C-A.
Other names: c.2752G>T, p.Ala918Ser (NM_001135659.3); c.2608G>T, p.Ala870Ser (NM_001330077.2, NM_001330082.2); c.2566G>T, p.Ala856Ser (NM_001330083.2, NM_001330084.2); c.2605G>T, p.Ala869Ser (NM_001330085.2); c.2632G>T, p.Ala878Ser (NM_001330086.2, NM_004801.6); c.2521G>T, p.Ala841Ser (NM_001330087.2, NM_001330096.2); c.2551G>T, p.Ala851Ser (NM_001330088.2); c.2629G>T, p.Ala877Ser (NM_001330093.2); and 2 more; short protein forms A861S, A877S, A851S, A874S, A878S, A918S, A856S, A869S.
Identifiers: ClinVar variation 2825191 (VCV002825191.3), dbSNP rs1371802200, ClinGen allele CA346777220.